The following is an entry in ClinVar:

NM_000038.6(APC):c.7832C>G (p.Thr2611Arg)

Gene: APC (APC regulator of Wnt signaling pathway; plus strand). Cytogenetic location: 5q22.2.
Variant type: single nucleotide variant.
Coding change: c.7832C>G on transcript NM_000038.6 (MANE Select); coding-DNA position 7832, C replaced by G.
Protein change: p.Thr2611Arg; replaces threonine 2611 with arginine.
Molecular consequence: missense variant. On other transcripts: non-coding transcript variant (2).
Genome position (GRCh38, 1-based): chr5:112,843,426, C>G. VCF-style: chr5-112843426-C-G. GRCh37 (hg19) VCF-style: chr5-112179123-C-G.
Other names: c.7832C>G, p.Thr2611Arg (NM_001127510.3, NM_001354895.2, NM_001407450.1); c.7778C>G, p.Thr2593Arg (NM_001127511.3); c.7886C>G, p.Thr2629Arg (NM_001354896.2, NM_001407447.1, NM_001407448.1 and 1 more transcripts); c.7862C>G, p.Thr2621Arg (NM_001354897.2); c.7757C>G, p.Thr2586Arg (NM_001354898.2); c.7748C>G, p.Thr2583Arg (NM_001354899.2); c.7709C>G, p.Thr2570Arg (NM_001354900.2); c.7655C>G, p.Thr2552Arg (NM_001354901.2, NM_001407453.1); and 11 more; short protein forms T2482R, T2583R, T2586R, T2593R, T2601R, T2328R, T2520R, T2528R.
Identifiers: ClinVar variation 2773664 (VCV002773664.2), dbSNP rs587778037, ClinGen allele CA16038346.
Genomic context (GRCh38, chr5:112,843,426, plus strand): 5'-ATGTGAACTCTATTTCAGGAACCAAACAAAGTAAAGAAAACCAAGTATCCGCAAAAGGAA[C>G]ATGGAGAAAAATAAAAGAAAATGAATTTTCTCCCACAAATAGTACTTCTCAGACCGTTTC-3'
Protein context (NP_000029.2, residues 2601-2621): SKENQVSAKG[Thr2611Arg]WRKIKENEFS

ClinVar aggregate classification (germline): Uncertain significance (1 of 4 stars; one submission).

Conditions:
Hereditary cancer-predisposing syndrome. Also called: Hereditary neoplastic syndrome; Hereditary Cancer Syndrome; Neoplastic Syndromes, Hereditary; Tumor predisposition. Identifiers: Orphanet 140162, MedGen C0027672, MeSH D009386, MONDO:0015356.

Submission:

Color Diagnostics, LLC DBA Color Health
Classification: Uncertain significance for Hereditary cancer-predisposing syndrome. Last evaluated: 2024-03-06. Review status: criteria provided, single submitter. Criteria: ACMG Guidelines, 2015. Collection method: clinical testing. Allele origin: germline.
Comment: This missense variant replaces threonine with arginine at codon 2611 of the APC protein. Computational prediction is inconclusive regarding the impact of this variant on protein structure and function (internally defined REVEL score threshold 0.5 < inconclusive < 0.7, PMID: 27666373). To our knowledge, functional studies have not been reported for this variant. This variant has not been reported in individuals affected with hereditary cancer in the literature. This variant has not been identified in the general population by the Genome Aggregation Database (gnomAD). The available evidence is insufficient to determine the role of this variant in disease conclusively. Therefore, this variant is classified as a Variant of Uncertain Significance.